The following is an entry in ClinVar:

ClinVar aggregate classification (germline): Uncertain significance (1 of 4 stars; one submission).

Conditions:
Early Myoclonic Encephalopathy. Identifiers: MedGen C0270855.

Submission:

Labcorp Genetics (formerly Invitae), Labcorp
Classification: Uncertain significance for Early Myoclonic Encephalopathy. Last evaluated: 2025-05-13. Review status: criteria provided, single submitter. Criteria: Invitae Variant Classification Sherloc (09022015). Collection method: clinical testing. Allele origin: germline.
Comment: This sequence change replaces glycine, which is neutral and non-polar, with aspartic acid, which is acidic and polar, at codon 1378 of the JMJD1C protein (p.Gly1378Asp). This variant is not present in population databases (gnomAD no frequency). This variant has not been reported in the literature in individuals affected with JMJD1C-related conditions. ClinVar contains an entry for this variant (Variation ID: 2752212). Invitae Evidence Modeling of protein sequence and biophysical properties (such as structural, functional, and spatial information, amino acid conservation, physicochemical variation, residue mobility, and thermodynamic stability) indicates that this missense variant is not expected to disrupt JMJD1C protein function with a negative predictive value of 80%. In summary, the available evidence is currently insufficient to determine the role of this variant in disease. Therefore, it has been classified as a Variant of Uncertain Significance.

NM_032776.3(JMJD1C):c.4133G>A (p.Gly1378Asp)

Gene: JMJD1C (jumonji domain containing 1C; minus strand). Cytogenetic location: 10q21.3.
Variant type: single nucleotide variant.
Coding change: c.4133G>A on transcript NM_032776.3 (MANE Select); coding-DNA position 4133, G replaced by A.
Protein change: p.Gly1378Asp; replaces glycine 1378 with aspartic acid.
Molecular consequence: missense variant. On other transcripts: non-coding transcript variant (1).
Genome position (GRCh38, 1-based): chr10:63,207,536, C>T on the plus strand (G>A on the coding strand, the complement: JMJD1C is on the minus strand). VCF-style: chr10-63207536-C-T. GRCh37 (hg19) VCF-style: chr10-64967296-C-T.
Other names: c.3587G>A, p.Gly1196Asp (NM_001282948.2, NM_001318154.2); c.3269G>A, p.Gly1090Asp (NM_001318153.2); c.4019G>A, p.Gly1340Asp (NM_001322252.2); c.3476G>A, p.Gly1159Asp (NM_001322254.2, NM_001322258.2); short protein forms G1090D, G1340D, G1159D, G1196D, G1378D.
Identifiers: ClinVar variation 2752212 (VCV002752212.3), dbSNP rs1238948649, ClinGen allele CA377038430.